The following is an entry in ClinVar:

NM_078480.3(PUF60):c.349A>T (p.Met117Leu)

Gene: PUF60 (poly(U) binding splicing factor 60; minus strand). Cytogenetic location: 8q24.3.
Variant type: single nucleotide variant.
Coding change: c.349A>T on transcript NM_078480.3 (MANE Select); coding-DNA position 349, A replaced by T.
Protein change: p.Met117Leu; replaces methionine 117 with leucine.
Molecular consequence: missense variant.
Genome position (GRCh38, 1-based): chr8:143,818,534, T>A on the plus strand (A>T on the coding strand, the complement: PUF60 is on the minus strand). VCF-style: chr8-143818534-T-A. GRCh37 (hg19) VCF-style: chr8-144900704-T-A.
Other names: c.220A>T, p.Met74Leu (NM_001136033.3); c.295A>T, p.Met99Leu (NM_001271096.2); c.211A>T, p.Met71Leu (NM_001271097.2); c.346A>T, p.Met116Leu (NM_001271098.2); c.262A>T, p.Met88Leu (NM_001271099.2); c.169A>T, p.Met57Leu (NM_001271100.2); c.460A>T, p.Met154Leu (NM_001362895.2, NM_001362896.2); c.409A>T, p.Met137Leu (NM_001362897.2); and 1 more; short protein forms M100L, M116L, M117L, M137L, M154L, M57L, M71L, M74L.
Identifiers: ClinVar variation 3372569 (VCV003372569.1).
Genomic context (GRCh38, chr8:143,818,534, plus strand): 5'-AGATAGAGCCCACGTAGACGCGGCACATGATGGCCAGCGCCCGCTGCCGCTGAGCCGCCA[T>A]CTGCAGCAGGACAGAGGGGAGAGAACCGCTGGCTCGTCAGGGGCGGCAGGAAGCTGGGCA-3'
Protein context (NP_510965.1, residues 107-127): FGDPLSPLQS[Met117Leu]AAQRQRALAI

ClinVar aggregate classification (germline): Uncertain significance (1 of 4 stars; one submission).

Submission:

GeneDx
Classification: Uncertain significance. Last evaluated: 2024-04-15. Review status: criteria provided, single submitter. Criteria: GeneDx Variant Classification Process June 2021. Collection method: clinical testing. Allele origin: germline. Affected: yes.
Comment: Not observed at significant frequency in large population cohorts (gnomAD); In silico analysis indicates that this missense variant does not alter protein structure/function; Has not been previously published as pathogenic or benign to our knowledge